The following is an entry in ClinVar:

NM_001379081.2(FREM1):c.4128C>T (p.Asn1376=)

Gene: FREM1 (FRAS1 related extracellular matrix 1; minus strand). Cytogenetic location: 9p22.3.
Variant type: single nucleotide variant.
Coding change: c.4128C>T on transcript NM_001379081.2 (MANE Select); coding-DNA position 4128, C replaced by T.
Protein change: p.Asn1376=; no amino-acid change (asparagine 1376 retained).
Molecular consequence: synonymous variant. On other transcripts: non-coding transcript variant (1).
Genome position (GRCh38, 1-based): chr9:14,788,968, G>A on the plus strand (C>T on the coding strand, the complement: FREM1 is on the minus strand). VCF-style: chr9-14788968-G-A. GRCh37 (hg19) VCF-style: chr9-14788966-G-A.
Other names: c.4128C>T, p.Asn1376= (NM_144966.7); c.4128C>T (NM_144966.5).
Identifiers: ClinVar variation 1903870 (VCV001903870.7), dbSNP rs780645609, ClinGen allele CA4990296.

ClinVar aggregate classification (germline): Likely benign. Review status: criteria provided, single submitter (1 of 4 stars). 2 submissions from 2 submitters: Likely benign (1). 1 of the submissions does not count toward it. Last evaluated 2024-05-09.

Conditions:
FREM1-related disorder. Also called: FREM1-Related Disorders; FREM1-related condition.

Allele frequency attached by ClinVar (database versions not stated): TOPMed below 0.00001; ExAC 0.00001; gnomAD exomes 0.00001; gnomAD 0.00002.

Submissions (2):

Labcorp Genetics (formerly Invitae), Labcorp
Classification: Likely benign. Last evaluated: 2024-05-09. Review status: criteria provided, single submitter. Criteria: Invitae Variant Classification Sherloc (09022015). Collection method: clinical testing. Allele origin: germline.

PreventionGenetics, part of Exact Sciences
Classification: Likely benign for FREM1-related condition. Last evaluated: 2021-05-04. Review status: no assertion criteria provided. Collection method: clinical testing. Allele origin: germline. Not counted in ClinVar's aggregate classification.
Comment: This variant is classified as likely benign based on ACMG/AMP sequence variant interpretation guidelines (Richards et al. 2015 PMID: 25741868, with internal and published modifications).